The following is an entry in ClinVar:

NM_001042681.2(RERE):c.3772G>A (p.Glu1258Lys)

Gene: RERE (arginine-glutamic acid dipeptide repeats; minus strand). Cytogenetic location: 1p36.23.
Variant type: single nucleotide variant.
Coding change: c.3772G>A on transcript NM_001042681.2 (MANE Select); coding-DNA position 3772, G replaced by A.
Protein change: p.Glu1258Lys; replaces glutamic acid 1258 with lysine.
Molecular consequence: missense variant.
Genome position (GRCh38, 1-based): chr1:8,358,763, C>T on the plus strand (G>A on the coding strand, the complement: RERE is on the minus strand). VCF-style: chr1-8358763-C-T. GRCh37 (hg19) VCF-style: chr1-8418823-C-T.
Other names: c.2110G>A, p.Glu704Lys (NM_001042682.2); c.3772G>A, p.Glu1258Lys (NM_012102.4); short protein forms E1258K, E704K.
Identifiers: ClinVar variation 4075319 (VCV004075319.1).

ClinVar aggregate classification (germline): Uncertain significance (1 of 4 stars; one submission).

Conditions:
Neurodevelopmental disorder with or without anomalies of the brain, eye, or heart (NEDBEH). Identifiers: Orphanet 494344, MedGen C5567477, MONDO:0014857, OMIM 616975.

gnomAD v4.1: 5 of 1,612,024 alleles (0.00031%); highest among the groups gnomAD compares: South Asian, 0.0011%; no homozygotes.

Submission:

Daryl Scott Lab, Baylor College of Medicine
Classification: Uncertain significance for Neurodevelopmental disorder with or without anomalies of the brain, eye, or heart. Last evaluated: 2025-08-05. Review status: criteria provided, single submitter. Criteria: ACMG Guidelines, 2015. Collection method: clinical testing. Allele origin: unknown. Affected: yes. Observed: 1 heterozygote.
Comment: PM2, PP3